The following continues an entry in ClinVar:

NM_015506.3(MMACHC):c.394C>T (p.Arg132Ter)

Gene: MMACHC. ClinVar aggregate classification (germline): Pathogenic. Pathogenic (24).

Submissions 15 to 31 of 31:

Illumina Laboratory Services, Illumina
Classification: Pathogenic for Cobalamin C disease. Last evaluated: 2020-11-02. Review status: criteria provided, single submitter. Criteria: ICSLVariantClassificationCriteria RUGD 01 April 2020. Collection method: clinical testing. Allele origin: unknown.
Comment: The MMACHC c.394C>T (p.Arg132Ter) variant is a stop-gained variant that is predicted to result in a premature termination of the protein. Across a selection of the available literature, the p.Arg132Ter variant is found in at least 57 individuals with the cblC type of methylmalonic aciduria and homocystinuria, the most common inborn error of cobalamin metabolism, including in a homozygous state in at least 31 individuals and in a compound heterozygous state in 26 individuals (Lerner-Ellis et al. 2006; Richard et al. 2009; Lerner-Ellis et al. 2009; Liu et al. 2010; KÄ±lÄ±Ã§ et al. 2013). Additionally, this variant has been identified in 20% of disease alleles in individuals from India, Pakistan, and Middle East, and in 5.7% of disease alleles in Chinese population (Lerner-Ellis et al. 2006; Lerner-Ellis et al. 2009; Liu et al. 2010). The p.Arg132Ter variant is associated with late onset disease characterized by acute neurological deterioration without systemic symptoms (Lerner-Ellis et al. 2006). The p.Arg132Ter variant was absent from 155 control subjects (Lerner-Ellis et al. 2006; Lerner-Ellis et al. 2009) but is reported at a frequency of 0.000719 in the South Asian population of the Genome Aggregation Database. Functional assays in patient cell lines indicate that the p.Arg132Ter variant may result in the production of a truncated protein product with residual function (Lerner-Ellis et al. 2009). Furthermore, patient skin fibroblasts do not show an increase in reactive oxygen species levels compared to control cells, however, there was an increase in basal level of apoptosis (Richard et al. 2009). Based on the collective evidence and application of the ACMG criteria, the p.Arg132Ter variant is classified as pathogenic for disorders of intracellular cobalamin metabolism.

Genetics and Genomic Medicine Centre, NeuroGen Healthcare, NeuroGen Healthcare
Classification: Pathogenic for Cobalamin C disease. Last evaluated: 2020-09-02. Review status: criteria provided, single submitter. Criteria: Submitter's publication. Collection method: clinical testing. Allele origin: unknown. Affected: no.

Women's Health and Genetics/Laboratory Corporation of America, LabCorp
Classification: Pathogenic for Methylmalonic acidemia with homocystinuria. Last evaluated: 2020-08-03. Review status: criteria provided, single submitter. Criteria: LabCorp Variant Classification Summary - May 2015. Collection method: clinical testing. Allele origin: germline.
Comment: Variant summary: MMACHC c.394C>T (p.Arg132X) results in a premature termination codon, predicted to cause a truncation of the encoded protein or absence of the protein due to nonsense mediated decay, which are commonly known mechanisms for disease. Truncations downstream of this position have been classified as pathogenic by our laboratory. The variant allele was found at a frequency of 9.6e-05 in 249398 control chromosomes. c.394C>T has been reported in the literature in multiple individuals affected with Cobalamin C Disease (Methylmalonic Aciduria With Homocystinuria) (example, Lerner-Ellis_2009). These data indicate that the variant is very likely to be associated with disease. Eight clinical diagnostic laboratories have submitted clinical-significance assessments for this variant to ClinVar after 2014 without evidence for independent evaluation. All laboratories classified the variant as pathogenic. Based on the evidence outlined above, the variant was classified as pathogenic.

GeneDx
Classification: Pathogenic. Last evaluated: 2020-04-01. Review status: criteria provided, single submitter. Criteria: GeneDx Variant Classification Process June 2021. Collection method: clinical testing. Allele origin: germline. Affected: yes.
Comment: Reported that many individuals with the R132X variant are of Middle Eastern origin (Lerner-Ellis et al., 2006, Lerner-Ellis et al., 2009); Nonsense variant in the C-terminus predicted to result in protein truncation, as the last 151 amino acids are lost; This variant is associated with the following publications: (PMID: 27252276, 27324188, 27629047, 27905001, 17431913, 24577983, 20631720, 25511120, 25525159, 26563984, 26149271, 19760748, 16311595, 27591164, 28218226, 29374341, 28693988, 19370762, 16714133, 23891399, 29581464, 29961769, 30712249, 31203424, 31697851, 31503356, 30157807, 29731766, 31589614, 33083013, 32943488, 32901917)

Genomic Research Center, Shahid Beheshti University of Medical Sciences
Classification: Pathogenic for Cobalamin C disease. Last evaluated: 2017-12-03. Review status: criteria provided, single submitter. Criteria: ACMG Guidelines, 2015. Collection method: clinical testing. Allele origin: inherited. Affected: yes.

Eurofins Ntd Llc (ga)
Classification: Pathogenic. Last evaluated: 2015-10-06. Review status: criteria provided, single submitter. Criteria: EGL Classification Definitions. Collection method: clinical testing. Allele origin: germline. Observed: 5 variant alleles, 1 heterozygote, 4 homozygotes.

CENTOGENE GmbH and LLC - Guiding Precision Medicine
Classification: Pathogenic for cblC type of combined methylmalonic aciduria and homocystinuria. Review status: criteria provided, single submitter. Criteria: ACMG Guidelines, 2015. Collection method: clinical testing. Allele origin: germline. Affected: yes.

Juno Genomics, Hangzhou Juno Genomics, Inc
Classification: Pathogenic for Cobalamin C disease. Review status: criteria provided, single submitter. Criteria: ACMG Guidelines, 2015. Collection method: clinical testing. Allele origin: germline.
Comment: Absent from controls (or at extremely low frequency if recessive) in Genome Aggregation Database.;Null variant in a gene where loss of function (LOF) is a known mechanism of disease.;For recessive disorders, detected in trans with a pathogenic variant.

Lifecell International Pvt. Ltd
Classification: Pathogenic for Cobalamin C disease. Review status: criteria provided, single submitter. Criteria: ACMG Guidelines, 2015. Collection method: clinical testing. Allele origin: germline. Inheritance: Autosomal recessive inheritance. Affected: yes. Observed: 1 homozygote.
Comment: A Homozygote Nonsense variant c.394C>T in Exon 3 of the MMACHC gene that results in the amino acid substitution p.Arg132* was identified. The observed variant has a maximum allele frequency of 0.00010/0.00 % in gnomAD exomes and genomes, respectively. The severity of the impact of this variant on the protein is high, based on the effect of the protein and REVEL score . Rare Exome Variant Ensemble Learner (REVEL) is an ensembl method for predicting the pathogenicity of missense variants based on a combination of scores from 13 individual tools: MutPred, FATHMM v2.3, VEST 3.0, PolyPhen-2, SIFT, PROVEAN, MutationAssessor, MutationTaster, LRT, GERP++, SiPhy, phyloP, and phastCons. The REVEL score for an individual missense variant can range from 0 to 1, with higher scores reflecting greater likelihood that the variant is disease-causing. ClinVar has also classified this variant as Pathogenic (ClinVar ID: 1423). This variant has previously been reported for cblC type of methylmalonic aciduria and homocystinuria. Functional assays in patient cell lines indicate that the p.Arg132Ter variant may result in the production of a truncated protein product with residual function (Richard E et al., 2009 and Lerner-Ellis JP et al., 2009). Based on the above evidence this variant has been classified as Pathogenic according to the ACMG guidelines.

Neuberg Centre For Genomic Medicine, NCGM
Classification: Pathogenic for Cobalamin C disease. Review status: criteria provided, single submitter. Criteria: ACMG Guidelines, 2015. Collection method: clinical testing. Allele origin: germline. Inheritance: Autosomal recessive inheritance. Affected: yes.
Comment: The observed stop gained variant c.394C>T(p.Arg132Ter) in MMACHC gene has been reported previously in homozygous and compound heterozygous state in multiple individuals with methylmalonic acidemia and hyperhomocysteinemia of the cobalamin C (cblC) type (Han B, et al., 2016, Zong Y, et al., 2015). Experimental studies show that functional assays in patient cell lines indicate that the p.Arg132Ter variant may result in the production of a truncated protein product with residual function (Lerner-Ellis et al., 2009) and also showed an increase in basal level of apoptosis (Richard et al. 2009). The c.394C>T variant is reported with 0.01% allele frequency in gnomAD Exomes. This variant has been reported to the ClinVar database as Pathogenic (multiple submissions). This variant is predicted to cause loss of normal protein function through protein truncation. Loss of function variants have been previously reported to be disease causing.For these reasons, this variant has been classified as Pathogenic.

Clinical Genomics Laboratory, Stanford Medicine
Classification: Pathogenic for Cobalamin C disease. Last evaluated: 2021-03-04. Review status: no assertion criteria provided. Collection method: clinical testing. Allele origin: germline. Inheritance: Autosomal recessive inheritance. Affected: yes. Observed: 1 homozygote. Not counted in ClinVar's aggregate classification.
Comment: The p.Arg132* variant in the MMACHC gene has been previously reported in the homozygous or compound heterozygous state in at least 35 individuals with cobalamin C deficiency (Lerner-Ellis et al., 2006; Nogueira et al., 2008; Lerner-Ellis et al., 2009; Ricci et al., 2020). In one affected cohort, the p.Arg132* variant accounted for 20% of the pathogenic alleles identified and was associated with later onset of disease (Lerner-Ellis et al., 2009). This variant has also been identified in 22/30,600 (0.07%) South Asian chromosomes by the Genome Aggregation Database. Although this variant has been seen in the general population, its frequency is low enough to be consistent with a recessive carrier frequency. The p.Arg132* variant leads to a premature stop codon in exon 3 of 4 coding exons, and is therefore predicted to undergo nonsense-mediated decay resulting in a truncated or absent protein. Homozygous or compound heterozygous loss of function is an established mechanism of disease for the MMACHC gene. These data were assessed using the ACMG/AMP variant interpretation guidelines. In summary, there is sufficient evidence to classify the p.Arg132* variant as pathogenic for autosomal recessive cobalamin C deficiency based on the information above. [ACMG evidence codes used: PVS1; PM3_Very Strong; PM2]

SingHealth Duke-NUS Institute of Precision Medicine
Classification: Pathogenic for Methylmalonic aciduria due to methylmalonyl-CoA mutase deficiency. Last evaluated: 2017-06-07. Review status: no assertion criteria provided. Collection method: curation. Allele origin: germline. Affected: no. Not counted in ClinVar's aggregate classification.

Counsyl
Classification: Pathogenic for Cobalamin C disease. Last evaluated: 2016-11-02. Review status: no assertion criteria provided. Collection method: clinical testing. Allele origin: unknown. Not counted in ClinVar's aggregate classification.

Institute of Medical Genetics and Genomics, Sir Ganga Ram Hospital
Classification: Pathogenic for Cobalamin C disease. Last evaluated: 2016-01-25. Review status: no assertion criteria provided. Collection method: research. Allele origin: germline. Affected: yes. Observed: 16 variant alleles. Study: ORGANIC ACIDURIAS. Not counted in ClinVar's aggregate classification.
Comment: Non-sense mutation

OMIM
Classification: Pathogenic for METHYLMALONIC ACIDURIA AND HOMOCYSTINURIA, cblC TYPE. Last evaluated: 2009-07-01. Review status: no assertion criteria provided. Collection method: literature only. Allele origin: germline. Not counted in ClinVar's aggregate classification.

GeneReviews
No classification provided. Condition: Disorders of Intracellular Cobalamin Metabolism. Review status: no classification provided. Collection method: literature only. Allele origin: germline. Not counted in ClinVar's aggregate classification.
Comment: Common in people of Indian and Middle Eastern ancestry associated with a late-onset phenotype

Hong-Tao Li Lab, Institute of Brain Science and Brain-inspired Research, Shandong First Medical University & Shandong Academy of Medical Sciences China
Classification: Pathogenic for Cobalamin C disease. Review status: no assertion criteria provided. Collection method: research. Allele origin: germline. Inheritance: Autosomal recessive inheritance. Affected: yes. Observed: 1 variant allele, 1 homozygote. Not counted in ClinVar's aggregate classification.
Comment: Observed in affected individuals from a Pakistani neurodevelopmental-disorder research cohort of 263 individuals. Classification assigned using the ACMG/AMP framework. Population-frequency evidence: gnomAD AF 9.623e-05.

Literature cited by the submitters: PubMed 16311595 (cited by 6 submitters); PubMed 19760748 (cited by 3 submitters); PubMed 20631720 (cited by Labcorp Genetics (formerly Invitae), Labcorp and Illumina Laboratory Services, Illumina); PubMed 24577983 (cited by Labcorp Genetics (formerly Invitae), Labcorp and Illumina Laboratory Services, Illumina); PubMed 25511120 (cited by Labcorp Genetics (formerly Invitae), Labcorp); PubMed 26149271 (cited by Labcorp Genetics (formerly Invitae), Labcorp); PubMed 26563984 (cited by Labcorp Genetics (formerly Invitae), Labcorp); PubMed 16714133 (cited by 3 submitters); PubMed 19370762 (cited by 8 submitters); PubMed 33515116 (cited by Kasturba Medical College, Manipal, Kasturba Medical College, Manipal, Manipal Academy of Higher Education, Manipal, India and Mayo Clinic Laboratories, Mayo Clinic); PubMed 17431913 (cited by OMIM).